The following is an entry in ClinVar:

NM_006767.4(LZTR1):c.1876G>C (p.Val626Leu)

Gene: LZTR1 (leucine zipper like post translational regulator 1; plus strand). Cytogenetic location: 22q11.21.
Variant type: single nucleotide variant.
Coding change: c.1876G>C on transcript NM_006767.4 (MANE Select); coding-DNA position 1876, G replaced by C.
Protein change: p.Val626Leu; replaces valine 626 with leucine.
Molecular consequence: missense variant.
Genome position (GRCh38, 1-based): chr22:20,994,960, G>C. VCF-style: chr22-20994960-G-C. GRCh37 (hg19) VCF-style: chr22-21349249-G-C.
Other names: short protein forms V626L.
Identifiers: ClinVar variation 3541499 (VCV003541499.2).

ClinVar aggregate classification (germline): Uncertain significance. Review status: criteria provided, multiple submitters, no conflicts (2 of 4 stars). 2 submissions from 2 submitters: Uncertain significance (2). Last evaluated 2025-06-11.

Conditions:
Hereditary cancer-predisposing syndrome. Also called: Hereditary Cancer Syndrome; Hereditary neoplastic syndrome; Tumor predisposition; Neoplastic Syndromes, Hereditary. Identifiers: Orphanet 140162, MedGen C0027672, MeSH D009386, MONDO:0015356.
Cardiovascular phenotype. Identifiers: MedGen CN230736.

gnomAD v4.1: 1 of 1,613,300 alleles (0.000062%); highest among the groups gnomAD compares: South Asian, 0.0011%; no homozygotes.

Submissions (2):

Labcorp Genetics (formerly Invitae), Labcorp
Classification: Uncertain significance. Last evaluated: 2025-06-11. Review status: criteria provided, single submitter. Criteria: Invitae Variant Classification Sherloc (09022015). Collection method: clinical testing. Allele origin: germline.
Comment: This sequence change replaces valine, which is neutral and non-polar, with leucine, which is neutral and non-polar, at codon 626 of the LZTR1 protein (p.Val626Leu). This variant is present in population databases (rs777465157, gnomAD 0.003%). This variant has not been reported in the literature in individuals affected with LZTR1-related conditions. ClinVar contains an entry for this variant (Variation ID: 3541499). Invitae Evidence Modeling of protein sequence and biophysical properties (such as structural, functional, and spatial information, amino acid conservation, physicochemical variation, residue mobility, and thermodynamic stability) indicates that this missense variant is not expected to disrupt LZTR1 protein function with a negative predictive value of 80%. In summary, the available evidence is currently insufficient to determine the role of this variant in disease. Therefore, it has been classified as a Variant of Uncertain Significance.

Ambry Genetics
Classification: Uncertain significance for Cardiovascular phenotype; Hereditary cancer-predisposing syndrome. Last evaluated: 2024-12-08. Review status: criteria provided, single submitter. Criteria: Ambry Variant Classification Scheme 2023. Collection method: clinical testing. Allele origin: germline.
Comment: The p.V626L variant (also known as c.1876G>C), located in coding exon 16 of the LZTR1 gene, results from a G to C substitution at nucleotide position 1876. The valine at codon 626 is replaced by leucine, an amino acid with highly similar properties. This amino acid position is conserved. In addition, the in silico prediction for this alteration is inconclusive. Based on the available evidence, the clinical significance of this variant remains unclear.